The following is an entry in ClinVar:

ClinVar aggregate classification (germline): Uncertain significance (1 of 4 stars; one submission).

gnomAD v4.1: 3 of 1,613,366 alleles (0.00019%); highest among the groups gnomAD compares: Admixed American, 0.0017%; no homozygotes.

Submission:

GeneDx
Classification: Uncertain significance. Last evaluated: 2024-11-12. Review status: criteria provided, single submitter. Criteria: GeneDx Variant Classification Process June 2021. Collection method: clinical testing. Allele origin: germline. Affected: yes.
Comment: Not observed at significant frequency in large population cohorts (gnomAD); In silico analysis indicates that this missense variant does not alter protein structure/function; Has not been previously published as pathogenic or benign to our knowledge

NM_001486.4(GCKR):c.880G>C (p.Glu294Gln)

Gene: GCKR (glucokinase regulator; plus strand). Cytogenetic location: 2p23.3.
Variant type: single nucleotide variant.
Coding change: c.880G>C on transcript NM_001486.4 (MANE Select); coding-DNA position 880, G replaced by C.
Protein change: p.Glu294Gln; replaces glutamic acid 294 with glutamine.
Molecular consequence: missense variant.
Genome position (GRCh38, 1-based): chr2:27,506,491, G>C. VCF-style: chr2-27506491-G-C. GRCh37 (hg19) VCF-style: chr2-27729358-G-C.
Other names: short protein forms E294Q.
Identifiers: ClinVar variation 3899684 (VCV003899684.1).
Genomic context (GRCh38, chr2:27,506,491, plus strand): 5'-TTCTGAGGGGGAATTGGGCCCTTCTTGAGAGCTGGTGGCTTTTCTCCCAGATGCCTCCTG[G>C]AAATCTTGCGGACATTTGAGCGAGCTCATCAGGTGACCTACAGCCAAAGCCCCAAGATTG-3'
Protein context (NP_001477.2, residues 284-304): GIAASQRCLL[Glu294Gln]ILRTFERAHQ